The following is an entry in ClinVar:

NM_018136.5(ASPM):c.7753G>T (p.Glu2585Ter)

Gene: ASPM (assembly factor for spindle microtubules; minus strand). Cytogenetic location: 1q31.3.
Variant type: single nucleotide variant.
Coding change: c.7753G>T on transcript NM_018136.5 (MANE Select); coding-DNA position 7753, G replaced by T.
Protein change: p.Glu2585Ter; replaces glutamic acid 2585 with a stop codon.
Molecular consequence: nonsense. On other transcripts: intron variant (1).
Genome position (GRCh38, 1-based): chr1:197,101,498, C>A on the plus strand (G>T on the coding strand, the complement: ASPM is on the minus strand). VCF-style: chr1-197101498-C-A. GRCh37 (hg19) VCF-style: chr1-197070628-C-A.
Other names: c.4066-5334G>T (NM_001206846.2); short protein forms E2585*.
Identifiers: ClinVar variation 1699700 (VCV001699700.2), dbSNP rs2125094032, ClinGen allele CA344015978.
Genomic context (GRCh38, chr1:197,101,498, plus strand): 5'-CTTTCTTAAGTTCATTGTGTTGAAATACTTTCTGTTTCTTTTTATTTGCTCTATATTTTT[C>A]TTGTATGATTTTTGTAGCCCACTGAAGCTTTTGGTAGAAACAATACTGCCTATACATTCT-3'

ClinVar aggregate classification (germline): Likely pathogenic (1 of 4 stars; one submission).

Submission:

GeneDx
Classification: Likely pathogenic. Last evaluated: 2022-02-04. Review status: criteria provided, single submitter. Criteria: GeneDx Variant Classification Process June 2021. Collection method: clinical testing. Allele origin: germline. Affected: yes.
Comment: Reported previously in a patient with autosomal recessive primary microcephaly (MCPH) who also harbored a second variant reportedly in trans (on the opposite allele); however, phase of the variants was not clear as segregation information was not provided (Letard et al., 2018); Nonsense variant predicted to result in protein truncation or nonsense mediated decay in a gene for which loss-of-function is a known mechanism of disease; Not observed at significant frequency in large population cohorts (gnomAD); This variant is associated with the following publications: (PMID: 29243349)